The following is an entry in ClinVar:

NM_000038.6(APC):c.3592T>C (p.Ser1198Pro)

Gene: APC (APC regulator of Wnt signaling pathway; plus strand). Cytogenetic location: 5q22.2.
Variant type: single nucleotide variant.
Coding change: c.3592T>C on transcript NM_000038.6 (MANE Select); coding-DNA position 3592, T replaced by C.
Protein change: p.Ser1198Pro; replaces serine 1198 with proline.
Molecular consequence: missense variant. On other transcripts: non-coding transcript variant (2).
Genome position (GRCh38, 1-based): chr5:112,839,186, T>C. VCF-style: chr5-112839186-T-C. GRCh37 (hg19) VCF-style: chr5-112174883-T-C.
Other names: c.3592T>C, p.Ser1198Pro (NM_001127510.3, NM_001354895.2, NM_001407450.1); c.3538T>C, p.Ser1180Pro (NM_001127511.3); c.3646T>C, p.Ser1216Pro (NM_001354896.2, NM_001407447.1, NM_001407448.1 and 1 more transcripts); c.3622T>C, p.Ser1208Pro (NM_001354897.2); c.3517T>C, p.Ser1173Pro (NM_001354898.2); c.3508T>C, p.Ser1170Pro (NM_001354899.2); c.3469T>C, p.Ser1157Pro (NM_001354900.2); c.3415T>C, p.Ser1139Pro (NM_001354901.2, NM_001407453.1); and 11 more; short protein forms S1069P, S1097P, S1107P, S1139P, S1191P, S1208P, S1226P, S1157P.
Identifiers: ClinVar variation 3410566 (VCV003410566.1).

ClinVar aggregate classification (germline): Uncertain significance (1 of 4 stars; one submission).

Conditions:
Hereditary cancer-predisposing syndrome. Also called: Neoplastic Syndromes, Hereditary; Tumor predisposition; Hereditary Cancer Syndrome; Hereditary neoplastic syndrome. Identifiers: Orphanet 140162, MedGen C0027672, MeSH D009386, MONDO:0015356.

Submission:

Ambry Genetics
Classification: Uncertain significance for Hereditary cancer-predisposing syndrome. Last evaluated: 2024-08-24. Review status: criteria provided, single submitter. Criteria: Ambry Variant Classification Scheme 2023. Collection method: clinical testing. Allele origin: germline.
Comment: The p.S1198P variant (also known as c.3592T>C), located in coding exon 15 of the APC gene, results from a T to C substitution at nucleotide position 3592. The serine at codon 1198 is replaced by proline, an amino acid with similar properties. This amino acid position is conserved. In addition, in silico predictors for this gene do not accurately predict pathogenicity. Based on the available evidence, the clinical significance of this variant remains unclear.